The following is an entry in ClinVar:

NM_020919.4(ALS2):c.116G>A (p.Gly39Glu)

Gene: ALS2 (alsin Rho guanine nucleotide exchange factor ALS2; minus strand). Cytogenetic location: 2q33.1.
Variant type: single nucleotide variant.
Coding change: c.116G>A on transcript NM_020919.4 (MANE Select); coding-DNA position 116, G replaced by A.
Protein change: p.Gly39Glu; replaces glycine 39 with glutamic acid.
Molecular consequence: missense variant.
Genome position (GRCh38, 1-based): chr2:201,767,288, C>T on the plus strand (G>A on the coding strand, the complement: ALS2 is on the minus strand). VCF-style: chr2-201767288-C-T. GRCh37 (hg19) VCF-style: chr2-202632011-C-T.
Other names: c.116G>A, p.Gly39Glu (NM_001135745.2); short protein forms G39E.
Identifiers: ClinVar variation 1350471 (VCV001350471.6), dbSNP rs2106102393, ClinGen allele CA350329560.
Genomic context (GRCh38, chr2:201,767,288, plus strand): 5'-CCTTCAGTCAGAAGAACTCCATGTTTCACTCCGAGGGCTGCCTGCAAAACAGTCTTTCCT[C>T]CCCAGCCTGGCAATCTCTCTGGTGTTATGGGAAAGGATCCTGCCTGCCAGATATGGACCA-3'
Protein context (NP_065970.2, residues 29-49): PITPERLPGW[Gly39Glu]GKTVLQAALG

ClinVar aggregate classification (germline): Uncertain significance (1 of 4 stars; one submission).

Conditions:
Infantile-onset ascending hereditary spastic paralysis (IAHSP). Also called: Autosomal Recessive Juvenile Amyotrophic Lateral Sclerosis; Infantile-Onset Ascending Hereditary Spastic Paralysis (IAHSP). Identifiers: Orphanet 293168, MedGen C2931441, MONDO:0011797, OMIM 607225. Disease mechanism: loss of function.

Allele frequency attached by ClinVar (database versions not stated): gnomAD exomes below 0.00001.
gnomAD v4.1: 1 of 1,614,074 alleles (0.000062%); highest among the groups gnomAD compares: Non-Finnish European, 0.000085%; no homozygotes.

Submission:

Labcorp Genetics (formerly Invitae), Labcorp
Classification: Uncertain significance for Infantile-onset ascending hereditary spastic paralysis. Last evaluated: 2021-11-09. Review status: criteria provided, single submitter. Criteria: Invitae Variant Classification Sherloc (09022015). Collection method: clinical testing. Allele origin: germline.
Comment: In summary, the available evidence is currently insufficient to determine the role of this variant in disease. Therefore, it has been classified as a Variant of Uncertain Significance. Algorithms developed to predict the effect of missense changes on protein structure and function (SIFT, PolyPhen-2, Align-GVGD) all suggest that this variant is likely to be tolerated. This variant has not been reported in the literature in individuals affected with ALS2-related conditions. This variant is not present in population databases (gnomAD no frequency). This sequence change replaces glycine, which is neutral and non-polar, with glutamic acid, which is acidic and polar, at codon 39 of the ALS2 protein (p.Gly39Glu).